The following is an entry in ClinVar:

NM_000245.4(MET):c.536C>T (p.Ala179Val)

Gene: MET (MET proto-oncogene, receptor tyrosine kinase; plus strand). Cytogenetic location: 7q31.2.
Variant type: single nucleotide variant.
Coding change: c.536C>T on transcript NM_000245.4 (MANE Select); coding-DNA position 536, C replaced by T.
Protein change: p.Ala179Val; replaces alanine 179 with valine.
Molecular consequence: missense variant. On other transcripts: intron variant (1).
Genome position (GRCh38, 1-based): chr7:116,699,620, C>T. VCF-style: chr7-116699620-C-T. GRCh37 (hg19) VCF-style: chr7-116339674-C-T.
Other names: c.536C>T, p.Ala179Val (NM_001127500.3, NM_001324401.3); c.-91+27043C>T (NM_001324402.2); short protein forms A179V.
Identifiers: ClinVar variation 4748726 (VCV004748726.2).

ClinVar aggregate classification (germline): Conflicting classifications of pathogenicity. Review status: criteria provided, conflicting classifications (1 of 4 stars). 2 submissions from 2 submitters: Uncertain significance (1); Likely benign (1). Last evaluated 2026-04-06.

Conditions:
Hereditary cancer-predisposing syndrome. Also called: Neoplastic Syndromes, Hereditary; Tumor predisposition; Hereditary Cancer Syndrome; Hereditary neoplastic syndrome. Identifiers: Orphanet 140162, MedGen C0027672, MeSH D009386, MONDO:0015356.
Renal cell carcinoma. Identifiers: Orphanet 217071, MedGen C0007134, MeSH D002292, MONDO:0005086, HP:0005584.

Submissions (2):

Ambry Genetics
Classification: Likely benign for Hereditary cancer-predisposing syndrome. Last evaluated: 2026-04-06. Review status: criteria provided, single submitter. Criteria: Ambry Variant Classification Scheme 2023. Collection method: clinical testing. Allele origin: germline.

Labcorp Genetics (formerly Invitae), Labcorp
Classification: Uncertain significance for Renal cell carcinoma. Last evaluated: 2025-10-02. Review status: criteria provided, single submitter. Criteria: Invitae Variant Classification Sherloc (09022015). Collection method: clinical testing. Allele origin: germline.
Comment: This sequence change replaces alanine, which is neutral and non-polar, with valine, which is neutral and non-polar, at codon 179 of the MET protein (p.Ala179Val). This variant is not present in population databases (gnomAD no frequency). This variant has not been reported in the literature in individuals affected with MET-related conditions. Invitae Evidence Modeling of protein sequence and biophysical properties (such as structural, functional, and spatial information, amino acid conservation, physicochemical variation, residue mobility, and thermodynamic stability) indicates that this missense variant is not expected to disrupt MET protein function with a negative predictive value of 80%. In summary, the available evidence is currently insufficient to determine the role of this variant in disease. Therefore, it has been classified as a Variant of Uncertain Significance.